The following is an entry in ClinVar:

NM_021814.5(ELOVL5):c.331C>T (p.Arg111Cys)

Gene: ELOVL5 (ELOVL fatty acid elongase 5; minus strand). Cytogenetic location: 6p12.1.
Variant type: single nucleotide variant.
Coding change: c.331C>T on transcript NM_021814.5 (MANE Select); coding-DNA position 331, C replaced by T.
Protein change: p.Arg111Cys; replaces arginine 111 with cysteine.
Molecular consequence: missense variant.
Genome position (GRCh38, 1-based): chr6:53,275,255, G>A on the plus strand (C>T on the coding strand, the complement: ELOVL5 is on the minus strand). VCF-style: chr6-53275255-G-A. GRCh37 (hg19) VCF-style: chr6-53140053-G-A.
Other names: c.412C>T, p.Arg138Cys (NM_001242828.2); c.331C>T, p.Arg111Cys (NM_001242830.2, NM_001301856.2); short protein forms R111C, R138C.
Identifiers: ClinVar variation 1916304 (VCV001916304.5), dbSNP rs760722233, ClinGen allele CA3859734.
Genomic context (GRCh38, chr6:53,275,255, plus strand): 5'-TGAAGAAGAAAGTGTCCATAAATTCTATGAGTTTGGAGAAGTAGTACCACCAGAGGACAC[G>A]GATAATCTAAGAGGAAAGGGTCAAAGATTTAAGGCTTATCCTCACGGCTTCTCTGGAATA-3'
Protein context (NP_068586.1, residues 101-121): TAGESDMKII[Arg111Cys]VLWWYYFSKL

ClinVar aggregate classification (germline): Uncertain significance (1 of 4 stars; one submission).

Allele frequency attached by ClinVar (database versions not stated): gnomAD 0.00001; gnomAD exomes 0.00001; ExAC 0.00002.
gnomAD v4.1: 11 of 1,613,880 alleles (0.00068%); highest among the groups gnomAD compares: South Asian, 0.0022%; no homozygotes.

Submission:

Labcorp Genetics (formerly Invitae), Labcorp
Classification: Uncertain significance. Last evaluated: 2022-05-06. Review status: criteria provided, single submitter. Criteria: Invitae Variant Classification Sherloc (09022015). Collection method: clinical testing. Allele origin: germline.
Comment: In summary, the available evidence is currently insufficient to determine the role of this variant in disease. Therefore, it has been classified as a Variant of Uncertain Significance. Algorithms developed to predict the effect of missense changes on protein structure and function are either unavailable or do not agree on the potential impact of this missense change (SIFT: "Tolerated"; PolyPhen-2: "Possibly Damaging"; Align-GVGD: "Class C15"). This variant is also known as p.Arg138Cys. This missense change has been observed in individual(s) with spinocerebellar ataxia (PMID: 31692161). This variant is present in population databases (rs760722233, gnomAD 0.006%). This sequence change replaces arginine, which is basic and polar, with cysteine, which is neutral and slightly polar, at codon 111 of the ELOVL5 protein (p.Arg111Cys).

Literature cited by the submitters: PubMed 31692161.